The following is an entry in ClinVar:

NM_001322934.2(NFKB2):c.501G>A (p.Thr167=)

Gene: NFKB2 (nuclear factor kappa B subunit 2; plus strand). Cytogenetic location: 10q24.32.
Variant type: single nucleotide variant.
Coding change: c.501G>A on transcript NM_001322934.2 (MANE Select); coding-DNA position 501, G replaced by A.
Protein change: p.Thr167=; no amino-acid change (threonine 167 retained).
Molecular consequence: synonymous variant.
Genome position (GRCh38, 1-based): chr10:102,397,407, G>A. VCF-style: chr10-102397407-G-A. GRCh37 (hg19) VCF-style: chr10-104157164-G-A.
Other names: c.501G>A, p.Thr167= (NM_001077494.3, NM_001261403.3, NM_001288724.1 and 2 more transcripts).
Identifiers: ClinVar variation 1443085 (VCV001443085.8), dbSNP rs45586935, ClinGen allele CA212214336.

ClinVar aggregate classification (germline): Uncertain significance (1 of 4 stars; one submission).

Conditions:
Immunodeficiency, common variable, 10. Also called: IMMUNODEFICIENCY, COMMON VARIABLE, WITH CENTRAL ADRENAL INSUFFICIENCY; DEFICIT IN ANTERIOR PITUITARY FUNCTION AND VARIABLE IMMUNODEFICIENCY. Identifiers: MedGen C3809991, MONDO:0014260, OMIM 615577.

Allele frequency attached by ClinVar (database versions not stated): gnomAD exomes below 0.00001; TOPMed 0.00001; gnomAD 0.00002.
gnomAD v4.1: 6 of 1,611,360 alleles (0.00037%); highest among the groups gnomAD compares: African/African-American, 0.0027%; no homozygotes.

Submission:

Labcorp Genetics (formerly Invitae), Labcorp
Classification: Uncertain significance for Immunodeficiency, common variable, 10. Last evaluated: 2024-10-23. Review status: criteria provided, single submitter. Criteria: Invitae Variant Classification Sherloc (09022015). Collection method: clinical testing. Allele origin: germline.
Comment: This sequence change affects codon 167 of the NFKB2 mRNA. It is a 'silent' change, meaning that it does not change the encoded amino acid sequence of the NFKB2 protein. It affects a nucleotide within the consensus splice site. This variant is not present in population databases (gnomAD no frequency). This variant has not been reported in the literature in individuals affected with NFKB2-related conditions. ClinVar contains an entry for this variant (Variation ID: 1443085). Algorithms developed to predict the effect of sequence changes on RNA splicing suggest that this variant is not likely to affect RNA splicing. In summary, the available evidence is currently insufficient to determine the role of this variant in disease. Therefore, it has been classified as a Variant of Uncertain Significance.